The following is an entry in ClinVar:

NM_031935.3(HMCN1):c.4919T>C (p.Met1640Thr)

Gene: HMCN1 (hemicentin 1; plus strand). Cytogenetic location: 1q31.1.
Variant type: single nucleotide variant.
Coding change: c.4919T>C on transcript NM_031935.3 (MANE Select); coding-DNA position 4919, T replaced by C.
Protein change: p.Met1640Thr; replaces methionine 1640 with threonine.
Molecular consequence: missense variant.
Genome position (GRCh38, 1-based): chr1:186,015,967, T>C. VCF-style: chr1-186015967-T-C. GRCh37 (hg19) VCF-style: chr1-185985099-T-C.
Other names: short protein forms M1640T.
Identifiers: ClinVar variation 2121185 (VCV002121185.4), dbSNP rs1300208098, ClinGen allele CA343887300.

ClinVar aggregate classification (germline): Uncertain significance (1 of 4 stars; one submission).

Submission:

Labcorp Genetics (formerly Invitae), Labcorp
Classification: Uncertain significance. Last evaluated: 2022-04-03. Review status: criteria provided, single submitter. Criteria: Invitae Variant Classification Sherloc (09022015). Collection method: clinical testing. Allele origin: germline.
Comment: In summary, the available evidence is currently insufficient to determine the role of this variant in disease. Therefore, it has been classified as a Variant of Uncertain Significance. Algorithms developed to predict the effect of missense changes on protein structure and function output the following: SIFT: "Tolerated"; PolyPhen-2: "Benign"; Align-GVGD: "Class C0". The threonine amino acid residue is found in multiple mammalian species, which suggests that this missense change does not adversely affect protein function. This variant has not been reported in the literature in individuals affected with HMCN1-related conditions. This variant is not present in population databases (gnomAD no frequency). This sequence change replaces methionine, which is neutral and non-polar, with threonine, which is neutral and polar, at codon 1640 of the HMCN1 protein (p.Met1640Thr).